The following is an entry in ClinVar:

ClinVar aggregate classification (germline): Uncertain significance (1 of 4 stars; one submission).

Conditions:
Cardiovascular phenotype. Identifiers: MedGen CN230736.

Submission:

Ambry Genetics
Classification: Uncertain significance for Cardiovascular phenotype. Last evaluated: 2026-07-02. Review status: criteria provided, single submitter. Criteria: Ambry Variant Classification Scheme 2023. Collection method: clinical testing. Allele origin: germline.
Comment: The p.E272Q variant (also known as c.814G>C), located in coding exon 9 of the TPM1 gene, results from a G to C substitution at nucleotide position 814. The glutamic acid at codon 272 is replaced by glutamine, an amino acid with highly similar properties. This amino acid position is conserved. In addition, the in silico prediction for this alteration is inconclusive. Based on the available evidence, the clinical significance of this variant remains unclear.

NM_001018005.2(TPM1):c.814G>C (p.Glu272Gln)

Gene: TPM1 (tropomyosin 1; plus strand). Cytogenetic location: 15q22.2.
Variant type: single nucleotide variant.
Coding change: c.814G>C on transcript NM_001018005.2 (MANE Select); coding-DNA position 814, G replaced by C.
Protein change: p.Glu272Gln; replaces glutamic acid 272 with glutamine.
Molecular consequence: missense variant. On other transcripts: 3 prime UTR variant (3), non-coding transcript variant (7), intron variant (18).
Genome position (GRCh38, 1-based): chr15:63,064,105, G>C. VCF-style: chr15-63064105-G-C. GRCh37 (hg19) VCF-style: chr15-63356304-G-C.
Other names: c.814G>C, p.Glu272Gln (NM_000366.6, NM_001301244.2, NM_001365779.1 and 8 more transcripts); c.706G>C, p.Glu236Gln (NM_001330346.2, NM_001365781.2, NM_001365782.1 and 1 more transcripts); c.940G>C, p.Glu314Gln (NM_001407322.1, NM_001407323.1, NM_001407324.1); c.*1296G>C (NM_001407325.1, NM_001407340.1, NM_001407341.1); c.898+1460G>C (NM_001365778.1); c.772+1460G>C (NM_001407336.1, NM_001018020.2, NM_001407338.1 and 8 more transcripts); c.664+1460G>C (NM_001330351.2, NM_001330344.2, NM_001018008.2 and 3 more transcripts); short protein forms E272Q, E314Q, E236Q.
Identifiers: ClinVar variation 5031079 (VCV005031079.1).